The following is an entry in ClinVar:

ClinVar aggregate classification (germline): Uncertain significance (1 of 4 stars; one submission).

gnomAD v4.1: 4 of 1,614,172 alleles (0.00025%); highest among the groups gnomAD compares: African/African-American, 0.0013%; no homozygotes.

Submission:

Labcorp Genetics (formerly Invitae), Labcorp
Classification: Uncertain significance. Last evaluated: 2022-08-06. Review status: criteria provided, single submitter. Criteria: Invitae Variant Classification Sherloc (09022015). Collection method: clinical testing. Allele origin: germline.
Comment: In summary, the available evidence is currently insufficient to determine the role of this variant in disease. Therefore, it has been classified as a Variant of Uncertain Significance. Algorithms developed to predict the effect of missense changes on protein structure and function (SIFT, PolyPhen-2, Align-GVGD) all suggest that this variant is likely to be tolerated. ClinVar contains an entry for this variant (Variation ID: 1448764). This variant has not been reported in the literature in individuals affected with CA2-related conditions. This variant is not present in population databases (gnomAD no frequency). This sequence change replaces threonine, which is neutral and polar, with serine, which is neutral and polar, at codon 55 of the CA2 protein (p.Thr55Ser).

NM_000067.3(CA2):c.163A>T (p.Thr55Ser)

Gene: CA2 (carbonic anhydrase 2; plus strand). Cytogenetic location: 8q21.2.
Variant type: single nucleotide variant.
Coding change: c.163A>T on transcript NM_000067.3 (MANE Select); coding-DNA position 163, A replaced by T.
Protein change: p.Thr55Ser; replaces threonine 55 with serine.
Molecular consequence: missense variant. On other transcripts: 5 prime UTR variant (1).
Genome position (GRCh38, 1-based): chr8:85,465,400, A>T. VCF-style: chr8-85465400-A-T. GRCh37 (hg19) VCF-style: chr8-86377629-A-T.
Other names: c.-22A>T (NM_001293675.2); short protein forms T55S.
Identifiers: ClinVar variation 1448764 (VCV001448764.6), dbSNP rs112536089, ClinGen allele CA180248611.